The following is an entry in ClinVar:

ClinVar aggregate classification (germline): Uncertain significance. Review status: criteria provided, multiple submitters, no conflicts (2 of 4 stars). 2 submissions from 2 submitters: Uncertain significance (2). Last evaluated 2023-06-07.

Conditions:
Intellectual developmental disorder with seizures and language delay (IDDSELD). Identifiers: MedGen C5436574, MONDO:0033559, OMIM 619000.

Submissions (2):

GeneDx
Classification: Uncertain significance. Last evaluated: 2023-06-07. Review status: criteria provided, single submitter. Criteria: GeneDx Variant Classification Process June 2021. Collection method: clinical testing. Allele origin: germline. Affected: yes.
Comment: Not observed at significant frequency in large population cohorts (gnomAD); In silico analysis supports that this missense variant has a deleterious effect on protein structure/function; Has not been previously published as pathogenic or benign to our knowledge

Juno Genomics, Hangzhou Juno Genomics, Inc
Classification: Uncertain significance for Intellectual developmental disorder with seizures and language delay. Review status: criteria provided, single submitter. Criteria: ACMG Guidelines, 2015. Collection method: clinical testing. Allele origin: germline.
Comment: Absent from controls (or at extremely low frequency if recessive) in Genome Aggregation Database.;Missense variant in a gene that has a low rate of benign missense variation.;Multiple lines of computational evidence support a deleterious effect on the gene or gene product.

NM_001353345.2(SETD1B):c.5072A>T (p.Glu1691Val)

Gene: SETD1B (SET domain containing 1B, histone lysine methyltransferase; plus strand). Cytogenetic location: 12q24.31.
Variant type: single nucleotide variant.
Coding change: c.5072A>T on transcript NM_001353345.2 (MANE Select); coding-DNA position 5072, A replaced by T.
Protein change: p.Glu1691Val; replaces glutamic acid 1691 with valine.
Molecular consequence: missense variant.
Genome position (GRCh38, 1-based): chr12:121,823,651, A>T. VCF-style: chr12-121823651-A-T. GRCh37 (hg19) VCF-style: chr12-122261557-A-T.
Other names: short protein forms E1691V.
Identifiers: ClinVar variation 3359592 (VCV003359592.3).